The following is an entry in ClinVar:

NM_020988.3(GNAO1):c.389G>A (p.Arg130Gln)

Gene: GNAO1 (G protein subunit alpha o1; plus strand). Cytogenetic location: 16q13.
Variant type: single nucleotide variant.
Coding change: c.389G>A on transcript NM_020988.3 (MANE Select); coding-DNA position 389, G replaced by A.
Protein change: p.Arg130Gln; replaces arginine 130 with glutamine.
Molecular consequence: missense variant.
Genome position (GRCh38, 1-based): chr16:56,328,716, G>A. VCF-style: chr16-56328716-G-A. GRCh37 (hg19) VCF-style: chr16-56362628-G-A.
Other names: c.389G>A, p.Arg130Gln (NM_138736.3); short protein forms R130Q.
Identifiers: ClinVar variation 657487 (VCV000657487.22), dbSNP rs200127285, ClinGen allele CA8063747.

ClinVar aggregate classification (germline): Likely benign. Review status: criteria provided, multiple submitters, no conflicts (2 of 4 stars). 5 submissions from 5 submitters: Likely benign (5). Last evaluated 2026-01-01.

Conditions:
Early-infantile DEE. Also called: Early infantile epileptic encephalopathy; Early infantile epileptic encephalopathy with suppression bursts; Ohtahara syndrome. Identifiers: Orphanet 1934, MedGen C0393706, MONDO:0800491.
Inborn genetic diseases. Identifiers: MedGen C0950123, MeSH D030342.

Allele frequency attached by ClinVar (database versions not stated): ExAC 0.00002; gnomAD exomes 0.00003 and 0.00004; gnomAD 0.00006; TOPMed 0.00006; ESP Exome Variant Server 0.00008; 1000 Genomes Project 30x 0.00016; 1000 Genomes Project 0.00020.
gnomAD v4.1: 68 of 1,614,220 alleles (0.0042%); highest among the groups gnomAD compares: Middle Eastern, 0.099%; no homozygotes.

Submissions (5):

Labcorp Genetics (formerly Invitae), Labcorp
Classification: Likely benign for Early-infantile DEE. Last evaluated: 2026-01-01. Review status: criteria provided, single submitter. Criteria: Invitae Variant Classification Sherloc (09022015). Collection method: clinical testing. Allele origin: germline.

CeGaT Center for Human Genetics Tuebingen
Classification: Likely benign. Last evaluated: 2025-10-01. Review status: criteria provided, single submitter. Criteria: CeGaT Center For Human Genetics Tuebingen Variant Classification Criteria Version 2. Collection method: clinical testing. Allele origin: germline. Affected: yes. Observed: 1 variant allele.
Comment: GNAO1: PP2, BS2

Blueprint Genetics
Classification: Likely benign. Last evaluated: 2024-02-15. Review status: criteria provided, single submitter. Criteria: ACMG Guidelines, 2015. Collection method: clinical testing. Allele origin: germline.

Ambry Genetics
Classification: Likely benign for Inborn genetic diseases. Last evaluated: 2018-08-13. Review status: criteria provided, single submitter. Criteria: Ambry Variant Classification Scheme 2023. Collection method: clinical testing. Allele origin: germline.

Breakthrough Genomics
Classification: Likely benign. Review status: criteria provided, single submitter. Criteria: ACMG Guidelines, 2015. Collection method: not provided. Allele origin: germline. Inheritance: Autosomal dominant inheritance. Affected: yes.